The following is an entry in ClinVar:

NM_153676.4(USH1C):c.554T>G (p.Val185Gly)

Gene: USH1C (USH1 protein network component harmonin; minus strand). Cytogenetic location: 11p15.1.
Variant type: single nucleotide variant.
Coding change: c.554T>G on transcript NM_153676.4 (MANE Select); coding-DNA position 554, T replaced by G.
Protein change: p.Val185Gly; replaces valine 185 with glycine.
Molecular consequence: missense variant. On other transcripts: non-coding transcript variant (1).
Genome position (GRCh38, 1-based): chr11:17,526,778, A>C on the plus strand (T>G on the coding strand, the complement: USH1C is on the minus strand). VCF-style: chr11-17526778-A-C. GRCh37 (hg19) VCF-style: chr11-17548325-A-C.
Other names: c.554T>G, p.Val185Gly (NM_001297764.2, NM_005709.4); short protein forms V185G.
Identifiers: ClinVar variation 2014663 (VCV002014663.4), dbSNP rs2497186902, ClinGen allele CA379794321.
Genomic context (GRCh38, chr11:17,526,778, plus strand): 5'-CACCCAAACCCCATCACAGGAGGTCTGGCCCTTACCCCAGATTCCGACACAAACTGATCC[A>C]CATACTGCCAAGTGAGGGGCTCATCAGGAGAGCTGATGGGAAGGGAAAATAGATGGGAGG-3'
Protein context (NP_710142.1, residues 175-195): SPDEPLTWQY[Val185Gly]DQFVSESGGV

ClinVar aggregate classification (germline): Uncertain significance (1 of 4 stars; one submission).

Submission:

Labcorp Genetics (formerly Invitae), Labcorp
Classification: Uncertain significance. Last evaluated: 2022-07-06. Review status: criteria provided, single submitter. Criteria: Invitae Variant Classification Sherloc (09022015). Collection method: clinical testing. Allele origin: germline.
Comment: In summary, the available evidence is currently insufficient to determine the role of this variant in disease. Therefore, it has been classified as a Variant of Uncertain Significance. Algorithms developed to predict the effect of missense changes on protein structure and function (SIFT, PolyPhen-2, Align-GVGD) all suggest that this variant is likely to be tolerated. This sequence change replaces valine, which is neutral and non-polar, with glycine, which is neutral and non-polar, at codon 185 of the USH1C protein (p.Val185Gly). This variant is not present in population databases (gnomAD no frequency). This variant has not been reported in the literature in individuals affected with USH1C-related conditions.